The following is an entry in ClinVar:

NM_005901.6(SMAD2):c.655+3A>G

Gene: SMAD2 (SMAD family member 2; minus strand). Cytogenetic location: 18q21.1.
Variant type: single nucleotide variant.
Coding change: c.655+3A>G on transcript NM_005901.6 (MANE Select); 3 bases into the intron after coding-DNA position 655, A replaced by G.
Molecular consequence: intron variant.
Genome position (GRCh38, 1-based): chr18:47,868,320, T>C on the plus strand (A>G on the coding strand, the complement: SMAD2 is on the minus strand). VCF-style: chr18-47868320-T-C. GRCh37 (hg19) VCF-style: chr18-45394691-T-C.
Other names: c.565+3A>G (NM_001135937.3); c.655+3A>G (NM_001003652.4).
Identifiers: ClinVar variation 4539858 (VCV004539858.1).

ClinVar aggregate classification (germline): Uncertain significance (1 of 4 stars; one submission).

gnomAD v4.1: 2 of 1,612,648 alleles (0.00012%); highest among the groups gnomAD compares: Admixed American, 0.0033%; no homozygotes.

Submission:

GeneDx
Classification: Uncertain significance. Last evaluated: 2025-06-28. Review status: criteria provided, single submitter. Criteria: GeneDx Variant Classification Process June 2021. Collection method: clinical testing. Allele origin: germline. Affected: yes.
Comment: Not observed at significant frequency in large population cohorts (gnomAD); In silico analysis supports a deleterious effect on splicing; Has not been previously published as pathogenic or benign to our knowledge